The following is an entry in ClinVar:

NM_001267550.2(TTN):c.103721T>G (p.Ile34574Arg)

Genes: TTN (titin; minus strand), TTN-AS1 (TTN antisense RNA 1; plus strand). Cytogenetic location: 2q31.2.
Variant type: single nucleotide variant.
Coding change: c.103721T>G on transcript NM_001267550.2 (MANE Select); coding-DNA position 103721, T replaced by G.
Protein change: p.Ile34574Arg; replaces isoleucine 34574 with arginine.
Molecular consequence: missense variant.
Genome position (GRCh38, 1-based): chr2:178,532,894, A>C on the plus strand (T>G on the coding strand, the complement: TTN is on the minus strand). VCF-style: chr2-178532894-A-C. GRCh37 (hg19) VCF-style: chr2-179397621-A-C.
Other names: c.98798T>G, p.Ile32933Arg (NM_001256850.1); c.76526T>G, p.Ile25509Arg (NM_003319.4); c.96017T>G, p.Ile32006Arg (NM_133378.4); c.76901T>G, p.Ile25634Arg (NM_133432.3); c.77102T>G, p.Ile25701Arg (NM_133437.4); short protein forms I25509R, I25701R, I32006R, I32933R, I34574R, I25634R.
Identifiers: ClinVar variation 1494653 (VCV001494653.6), dbSNP rs2154134707, ClinGen allele CA349413648.

ClinVar aggregate classification (germline): Uncertain significance (1 of 4 stars; one submission).

Conditions:
Dilated cardiomyopathy 1G (CMD1G). Identifiers: Orphanet 154, MedGen C1858763, MONDO:0011400, OMIM 604145.
Autosomal recessive limb-girdle muscular dystrophy type 2J (LGMDR10). Also called: Limb-girdle muscular dystrophy, type 2J; MUSCULAR DYSTROPHY, LIMB-GIRDLE, AUTOSOMAL RECESSIVE 10. Identifiers: Orphanet 140922, MedGen C1837342, MONDO:0012127, OMIM 608807.

Submission:

Labcorp Genetics (formerly Invitae), Labcorp
Classification: Uncertain significance for Dilated cardiomyopathy 1G; Autosomal recessive limb-girdle muscular dystrophy type 2J. Last evaluated: 2024-12-06. Review status: criteria provided, single submitter. Criteria: Invitae Variant Classification Sherloc (09022015). Collection method: clinical testing. Allele origin: germline.
Comment: This sequence change replaces isoleucine, which is neutral and non-polar, with arginine, which is basic and polar, at codon 34574 of the TTN protein (p.Ile34574Arg). This variant is not present in population databases (gnomAD no frequency). This variant has not been reported in the literature in individuals affected with TTN-related conditions. ClinVar contains an entry for this variant (Variation ID: 1494653). Experimental studies and prediction algorithms are not available or were not evaluated, and the functional significance of this variant is currently unknown. This variant is located in the M band of TTN (PMID: 25589632). Non-truncating variants in this region may be relevant for neuromuscular disorders, but have not been definitively shown to cause cardiomyopathy (PMID: 23975875). In summary, the available evidence is currently insufficient to determine the role of this variant in disease. Therefore, it has been classified as a Variant of Uncertain Significance.

Literature cited by the submitters: PubMed 25589632; PubMed 23975875.